The following is an entry in ClinVar:

NM_001098671.2(RASGRP2):c.1563C>T (p.Gly521=)

Gene: RASGRP2 (RAS guanyl releasing protein 2; minus strand). Cytogenetic location: 11q13.1.
Variant type: single nucleotide variant.
Coding change: c.1563C>T on transcript NM_001098671.2 (MANE Select); coding-DNA position 1563, C replaced by T.
Protein change: p.Gly521=; no amino-acid change (glycine 521 retained).
Molecular consequence: synonymous variant.
Genome position (GRCh38, 1-based): chr11:64,729,790, G>A on the plus strand (C>T on the coding strand, the complement: RASGRP2 is on the minus strand). VCF-style: chr11-64729790-G-A. GRCh37 (hg19) VCF-style: chr11-64497262-G-A.
Other names: c.1563C>T, p.Gly521= (NM_001098670.2, NM_153819.2); c.1128C>T, p.Gly376= (NM_001318398.2).
Identifiers: ClinVar variation 2142968 (VCV002142968.7), dbSNP rs779966506, ClinGen allele CA6078866.

ClinVar aggregate classification (germline): Likely benign. Review status: criteria provided, multiple submitters, no conflicts (2 of 4 stars). 4 submissions from 4 submitters: Likely benign (4). Last evaluated 2026-03-04.

Conditions:
RASGRP2-related disorder. Also called: RASGRP2-related condition.

Allele frequency attached by ClinVar (database versions not stated): TOPMed 0.00012; gnomAD exomes 0.00013; gnomAD 0.00017; ExAC 0.00019.
gnomAD v4.1: 215 of 1,614,000 alleles (0.013%); highest among the groups gnomAD compares: Non-Finnish European, 0.017%; no homozygotes.

Submissions (4):

PreventionGenetics, part of Exact Sciences
Classification: Likely benign for RASGRP2-related condition. Last evaluated: 2026-03-04. Review status: criteria provided, single submitter. Criteria: ACMG Guidelines, 2015. Collection method: clinical testing. Allele origin: germline.
Comment: This variant is classified as likely benign based on ACMG/AMP sequence variant interpretation guidelines (Richards et al. 2015 PMID: 25741868, with internal and published modifications).

Labcorp Genetics (formerly Invitae), Labcorp
Classification: Likely benign. Last evaluated: 2026-02-03. Review status: criteria provided, single submitter. Criteria: Invitae Variant Classification Sherloc (09022015). Collection method: clinical testing. Allele origin: germline.

Women's Health and Genetics/Laboratory Corporation of America, LabCorp
Classification: Likely benign. Last evaluated: 2026-01-20. Review status: criteria provided, single submitter. Criteria: LabCorp Variant Classification Summary - May 2015. Collection method: clinical testing. Allele origin: germline.

Blueprint Genetics
Classification: Likely benign. Last evaluated: 2024-11-04. Review status: criteria provided, single submitter. Criteria: ACMG Guidelines, 2015. Collection method: clinical testing. Allele origin: germline.